The following is an entry in ClinVar:

NM_001114753.3(ENG):c.35_45del (p.Leu12fs)

Gene: ENG (endoglin; minus strand). Cytogenetic location: 9q34.11.
Variant type: Deletion.
Coding change: c.35_45del on transcript NM_001114753.3 (MANE Select); coding-DNA positions 35 to 45, 11 bases deleted (TGCTGCTGGCC).
Protein change: p.Leu12fs; shifts the reading frame from leucine 12.
Molecular consequence: frameshift variant.
Genome position (GRCh38, 1-based): chr9:127,854,311-127,854,321, GGCCAGCAGCA deleted on the plus strand (TGCTGCTGGCC on the coding strand, the reverse complement: ENG is on the minus strand); deleting any 11 consecutive bases within chr9:127,854,311-127,854,323 gives the same sequence; the c. name uses the placement nearest the transcript's 3' end. VCF-style (leftmost placement, unchanged base first): chr9-127854310-TGGCCAGCAGCA-T. GRCh37 (hg19) VCF-style: chr9-130616589-TGGCCAGCAGCA-T.
Other names: c.35_45del, p.Leu12fs (NM_000118.4, NM_001406715.1); short protein forms L12fs.
Identifiers: ClinVar variation 3766802 (VCV003766802.2).
Genomic context (GRCh38, chr9:127,854,310, plus strand): 5'-GAGGCCGAGTCTCCCCACCCTGGGTCCCTGGACACCTACTTGTGGGGCTGAGGCTGCAGC[TGGCCAGCAGCA>T]GGGCAACAGCCAGAGGGAGCGTGCCGCGGTCCATGCTGTCCACGTGGGGGCCTGTGCGCT-3'

ClinVar aggregate classification (germline): Pathogenic. Review status: criteria provided, multiple submitters, no conflicts (2 of 4 stars). 2 submissions from 2 submitters: Pathogenic (2). Last evaluated 2026-01-26.

Conditions:
Telangiectasia, hereditary hemorrhagic, type 1 (HHT1). Also called: Osler Weber Rendu syndrome type 1; ENG-Related Hereditary Hemorrhagic Telangiectasia. Identifiers: Orphanet 774, MedGen C4551861, MONDO:0008535, OMIM 187300. Disease mechanism: loss of function.
Hereditary hemorrhagic telangiectasia (HHT). Also called: ORW DISEASE; Osler Weber Rendu syndrome; OSLER-RENDU-WEBER DISEASE; Osler hemorrhagic telangiectasia syndrome. Identifiers: Orphanet 774, MedGen C0039445, MONDO:0019180. Disease mechanism: loss of function.

Submissions (2):

Labcorp Genetics (formerly Invitae), Labcorp
Classification: Pathogenic for Hereditary hemorrhagic telangiectasia. Last evaluated: 2026-01-26. Review status: criteria provided, single submitter. Criteria: Invitae Variant Classification Sherloc (09022015). Collection method: clinical testing. Allele origin: germline.
Comment: This sequence change creates a premature translational stop signal (p.Leu12Glnfs*16) in the ENG gene. It is expected to result in an absent or disrupted protein product. Loss-of-function variants in ENG are known to be pathogenic (PMID: 15879500). This variant is not present in population databases (gnomAD no frequency). This variant has not been reported in the literature in individuals affected with ENG-related conditions. ClinVar contains an entry for this variant (Variation ID: 3766802). For these reasons, this variant has been classified as Pathogenic.

ARUP Laboratories, Molecular Genetics and Genomics, ARUP Laboratories
Classification: Pathogenic for Telangiectasia, hereditary hemorrhagic, type 1. Last evaluated: 2024-08-27. Review status: criteria provided, single submitter. Criteria: ARUP Molecular Germline Variant Investigation Process 2024. Collection method: clinical testing. Allele origin: germline.
Comment: The ENG c.35_45del; p.Leu12GlnfsTer16 variant, to our knowledge, is not reported in the medical literature or gene specific databases. This variant is also absent from the Genome Aggregation Database (v2.1.1), indicating it is not a common polymorphism. This variant causes a frameshift by deleting 11 nucleotides, so it is predicted to result in a truncated protein or mRNA subject to nonsense-mediated decay. Additionally, other truncating variants in this exon have been reported in individuals with HHT and are considered pathogenic (Bayrak-Toydemir 2006, Gedge 2007). Based on available information, the c.35_45del variant is considered to be pathogenic. References: Bayrak-Toydemir P et al. Genotype-phenotype correlation in hereditary hemorrhagic telangiectasia: mutations and manifestations. Am J Med Genet A. 2006 Mar 1;140(5):463-70. PMID: 16470787. Gedge F et al. Clinical and analytical sensitivities in hereditary hemorrhagic telangiectasia testing and a report of de novo mutations. J Mol Diagn. 2007 Apr;9(2):258-65. PMID: 17384219.

Literature cited by the submitters: PubMed 15879500 (cited by Labcorp Genetics (formerly Invitae), Labcorp).